The following is an entry in ClinVar:

ClinVar aggregate classification (germline): Uncertain significance. Review status: criteria provided, multiple submitters, no conflicts (2 of 4 stars). 3 submissions from 3 submitters: Uncertain significance (3). Last evaluated 2024-10-01.

Conditions:
Chédiak-Higashi syndrome (CHS). Also called: Chediak-Higashi Syndrome. Identifiers: Orphanet 167, MedGen C0007965, MONDO:0008963, OMIM 214500.

Allele frequency attached by ClinVar (database versions not stated): ExAC 0.00001; gnomAD exomes 0.00001; TOPMed 0.00002.
gnomAD v4.1: 7 of 1,613,932 alleles (0.00043%); highest among the groups gnomAD compares: Admixed American, 0.012%; no homozygotes.

Submissions (3):

Women's Health and Genetics/Laboratory Corporation of America, LabCorp
Classification: Uncertain significance. Last evaluated: 2024-10-01. Review status: criteria provided, single submitter. Criteria: LabCorp Variant Classification Summary - May 2015. Collection method: clinical testing. Allele origin: germline.
Comment: Variant summary: LYST c.3203A>G (p.Gln1068Arg) results in a conservative amino acid change in the encoded protein sequence. Five of five in-silico tools predict a benign effect of the variant on protein function. The variant allele was found at a frequency of 1.6e-05 in 250924 control chromosomes. The available data on variant occurrences in the general population are insufficient to allow any conclusion about variant significance. To our knowledge, no occurrence of c.3203A>G in individuals affected with Chediak-Higashi Syndrome and no experimental evidence demonstrating its impact on protein function have been reported. ClinVar contains an entry for this variant (Variation ID: 625977). Based on the evidence outlined above, the variant was classified as uncertain significance.

Labcorp Genetics (formerly Invitae), Labcorp
Classification: Uncertain significance for Chédiak-Higashi syndrome. Last evaluated: 2022-07-16. Review status: criteria provided, single submitter. Criteria: Invitae Variant Classification Sherloc (09022015). Collection method: clinical testing. Allele origin: germline.
Comment: This sequence change replaces glutamine, which is neutral and polar, with arginine, which is basic and polar, at codon 1068 of the LYST protein (p.Gln1068Arg). This variant is present in population databases (rs779951954, gnomAD 0.009%). This variant has not been reported in the literature in individuals affected with LYST-related conditions. ClinVar contains an entry for this variant (Variation ID: 625977). Algorithms developed to predict the effect of missense changes on protein structure and function (SIFT, PolyPhen-2, Align-GVGD) all suggest that this variant is likely to be tolerated. In summary, the available evidence is currently insufficient to determine the role of this variant in disease. Therefore, it has been classified as a Variant of Uncertain Significance.

Center for Genomics, Ann and Robert H. Lurie Children's Hospital of Chicago
Classification: Uncertain significance for Chédiak-Higashi syndrome. Last evaluated: 2021-03-30. Review status: criteria provided, single submitter. Criteria: ACMG Guidelines, 2015. Collection method: clinical testing. Allele origin: germline.
Comment: LYST NM_000081.3 exon 6 p.Gln1068Arg (c.3203A>G): This variant has not been reported in the literature but is present in 0.01% (4/34532) of Latino alleles in the Genome Aggregation Database. Evolutionary conservation and computational predictive tools suggest that this variant may not impact the protein. In summary, data on this variant is insufficient for disease classification. Therefore, the clinical significance of this variant is uncertain.

NM_000081.4(LYST):c.3203A>G (p.Gln1068Arg)

Gene: LYST (lysosomal trafficking regulator; minus strand). Cytogenetic location: 1q42.3.
Variant type: single nucleotide variant.
Coding change: c.3203A>G on transcript NM_000081.4 (MANE Select); coding-DNA position 3203, A replaced by G.
Protein change: p.Gln1068Arg; replaces glutamine 1068 with arginine.
Molecular consequence: missense variant.
Genome position (GRCh38, 1-based): chr1:235,805,933, T>C on the plus strand (A>G on the coding strand, the complement: LYST is on the minus strand). VCF-style: chr1-235805933-T-C. GRCh37 (hg19) VCF-style: chr1-235969233-T-C.
Other names: c.3203A>G, p.Gln1068Arg (NM_001301365.1); short protein forms Q1068R.
Identifiers: ClinVar variation 625977 (VCV000625977.9), dbSNP rs779951954, ClinGen allele CA1467123.